The following is an entry in ClinVar:

ClinVar aggregate classification (germline): Uncertain significance (1 of 4 stars; one submission).

Submission:

Labcorp Genetics (formerly Invitae), Labcorp
Classification: Uncertain significance. Last evaluated: 2022-05-05. Review status: criteria provided, single submitter. Criteria: Invitae Variant Classification Sherloc (09022015). Collection method: clinical testing. Allele origin: germline.
Comment: In summary, the available evidence is currently insufficient to determine the role of this variant in disease. Therefore, it has been classified as a Variant of Uncertain Significance. This variant has not been reported in the literature in individuals affected with RECQL-related conditions. This variant is not present in population databases (gnomAD no frequency). This sequence change creates a premature translational stop signal (p.Val41Serfs*14) in the RECQL gene. It is expected to result in an absent or disrupted protein product. However, the current clinical and genetic evidence is not sufficient to establish whether loss-of-function variants in RECQL cause disease.

NM_002907.4(RECQL):c.119_120insG (p.Val41fs)

Gene: RECQL (RecQ like helicase; minus strand). Cytogenetic location: 12p12.1.
Variant type: Insertion.
Coding change: c.119_120insG on transcript NM_002907.4 (MANE Select); coding-DNA positions 119 to 120, G inserted.
Protein change: p.Val41fs; shifts the reading frame from valine 41.
Molecular consequence: frameshift variant.
Genome position: GRCh38 VCF-style: chr12-21491613-T-TC. GRCh37 (hg19) VCF-style: chr12-21644547-T-TC.
Other names: c.119_120insG, p.Val41fs (NM_032941.3); short protein forms V41fs.
Identifiers: ClinVar variation 2134365 (VCV002134365.4), dbSNP rs2540405173, ClinGen allele CA2580085290.
Genomic context (GRCh38, chr12:21,491,613, plus strand): 5'-TTCATTGCTTGCCCCGGCATCAGAATCCTCTAAACACTGCTTTATTTTCTTTGTCAGGAC[T>TC]TTTTTTTTCTGAATAAGCTCTTGTTGCCTTTCCGTAAGTTCTTGAATTTGAATTTCTACT-3'